The following is an entry in ClinVar:

ClinVar aggregate classification (germline): Uncertain significance (1 of 4 stars; one submission).

Conditions:
Hereditary cancer-predisposing syndrome. Also called: Neoplastic Syndromes, Hereditary; Tumor predisposition; Hereditary neoplastic syndrome; Hereditary Cancer Syndrome. Identifiers: Orphanet 140162, MedGen C0027672, MeSH D009386, MONDO:0015356.

Submission:

Ambry Genetics
Classification: Uncertain significance for Hereditary cancer-predisposing syndrome. Last evaluated: 2026-07-20. Review status: criteria provided, single submitter. Criteria: Ambry Variant Classification Scheme 2023. Collection method: clinical testing. Allele origin: germline.
Comment: The p.I34M variant (also known as c.102T>G), located in coding exon 2 of the ATM gene, results from a T to G substitution at nucleotide position 102. The isoleucine at codon 34 is replaced by methionine, an amino acid with highly similar properties. In an assay testing ATM function, this variant showed a functionally abnormal result (Lee KS et al. Cell, 2025 Sep;188:5081-5099.e27). This amino acid position is not well conserved in available vertebrate species. In addition, this alteration is predicted to be tolerated by in silico analysis. Based on the available evidence, the clinical significance of this variant remains unclear.

Literature cited by the submitters: PubMed 40580951.

NM_000051.4(ATM):c.102T>G (p.Ile34Met)

Gene: ATM (ATM serine/threonine kinase; plus strand). Cytogenetic location: 11q22.3.
Variant type: single nucleotide variant.
Coding change: c.102T>G on transcript NM_000051.4 (MANE Select); coding-DNA position 102, T replaced by G.
Protein change: p.Ile34Met; replaces isoleucine 34 with methionine.
Molecular consequence: missense variant.
Genome position (GRCh38, 1-based): chr11:108,227,805, T>G. VCF-style: chr11-108227805-T-G. GRCh37 (hg19) VCF-style: chr11-108098532-T-G.
Other names: c.102T>G, p.Ile34Met (NM_001351834.2, NM_001351835.2, NM_001351836.2); short protein forms I34M.
Identifiers: ClinVar variation 5031551 (VCV005031551.1).